The following is an entry in ClinVar:

ClinVar aggregate classification (germline): Uncertain significance (1 of 4 stars; one submission).

Submission:

Labcorp Genetics (formerly Invitae), Labcorp
Classification: Uncertain significance. Last evaluated: 2021-10-09. Review status: criteria provided, single submitter. Criteria: Invitae Variant Classification Sherloc (09022015). Collection method: clinical testing. Allele origin: germline.
Comment: In summary, the available evidence is currently insufficient to determine the role of this variant in disease. Therefore, it has been classified as a Variant of Uncertain Significance. Advanced modeling of protein sequence and biophysical properties (such as structural, functional, and spatial information, amino acid conservation, physicochemical variation, residue mobility, and thermodynamic stability) performed at Invitae indicates that this missense variant is not expected to disrupt CACNA1E protein function. This variant has not been reported in the literature in individuals affected with CACNA1E-related conditions. This variant is not present in population databases (ExAC no frequency). This sequence change replaces glutamine with histidine at codon 1889 of the CACNA1E protein (p.Gln1889His). The glutamine residue is highly conserved and there is a small physicochemical difference between glutamine and histidine.

NM_001205293.3(CACNA1E):c.5667G>T (p.Gln1889His)

Gene: CACNA1E (calcium voltage-gated channel subunit alpha1 E; plus strand). Cytogenetic location: 1q25.3.
Variant type: single nucleotide variant.
Coding change: c.5667G>T on transcript NM_001205293.3 (MANE Select); coding-DNA position 5667, G replaced by T.
Protein change: p.Gln1889His; replaces glutamine 1889 with histidine.
Molecular consequence: missense variant.
Genome position (GRCh38, 1-based): chr1:181,785,406, G>T. VCF-style: chr1-181785406-G-T. GRCh37 (hg19) VCF-style: chr1-181754542-G-T.
Other names: c.5667G>T, p.Gln1889His (NM_000721.4); c.5610G>T, p.Gln1870His (NM_001205294.2); short protein forms Q1870H, Q1889H.
Identifiers: ClinVar variation 1495385 (VCV001495385.6), dbSNP rs891161966, ClinGen allele CA343631592.